The following is an entry in ClinVar:

ClinVar aggregate classification (germline): Pathogenic (1 of 4 stars; one submission).

Conditions:
CHD7-related CHARGE syndrome. Identifiers: MedGen CN380413, MONDO:1010178, OMIM 214800.

Submission:

Molecular Genetics Laboratory, Motol Hospital
Classification: Pathogenic for CHD7-related CHARGE syndrome. Last evaluated: 2017-05-05. Review status: criteria provided, single submitter. Criteria: ACMG Guidelines, 2015. Collection method: clinical testing. Allele origin: de novo. Affected: yes. Observed: 1 variant allele.
Comment: Rare loss-of-function variants in the CHD7 gene are associated with autosomal dominant CHARGE syndrome (MIM:214800). Rare variant not present in the non-Finnish European poulation (gnomAD v4.1.0). The variant is classified as pathogenic.

NM_017780.4(CHD7):c.5405G>T (p.Gly1802Val)

Gene: CHD7 (chromodomain helicase DNA binding protein 7; plus strand). Cytogenetic location: 8q12.2.
Variant type: single nucleotide variant.
Coding change: c.5405G>T on transcript NM_017780.4 (MANE Select); coding-DNA position 5405, G replaced by T.
Protein change: p.Gly1802Val; replaces glycine 1802 with valine.
Molecular consequence: missense variant. On other transcripts: intron variant (1).
Genome position (GRCh38, 1-based): chr8:60,850,493, G>T. VCF-style: chr8-60850493-G-T. GRCh37 (hg19) VCF-style: chr8-61763052-G-T.
Other names: c.1717-11736G>T (NM_001316690.1); short protein forms G1802V.
Identifiers: ClinVar variation 4819320 (VCV004819320.1).